The following is an entry in ClinVar:

NM_000321.3(RB1):c.1399C>G (p.Arg467Gly)

Gene: RB1 (RB transcriptional corepressor 1; plus strand). Cytogenetic location: 13q14.2.
Variant type: single nucleotide variant.
Coding change: c.1399C>G on transcript NM_000321.3 (MANE Select); coding-DNA position 1399, C replaced by G.
Protein change: p.Arg467Gly; replaces arginine 467 with glycine.
Molecular consequence: missense variant.
Genome position (GRCh38, 1-based): chr13:48,380,062, C>G. VCF-style: chr13-48380062-C-G. GRCh37 (hg19) VCF-style: chr13-48954198-C-G.
Other names: c.1399C>G (NM_000321.2); short protein forms R467G.
Identifiers: ClinVar variation 584871 (VCV000584871.9), dbSNP rs398123331, ClinGen allele CA388162691.
Genomic context (GRCh38, chr13:48,380,062, plus strand): 5'-AAGGTTTCAATTAAACAACTTCTTTTTTTTTTTTTAAATTATCTGTTTCAGGAAGAAGAA[C>G]GATTATCCATTCAAAATTTTAGGTAAATTTTTTACTTTTAGTAAAAAATTTTTTTCTTTT-3'
Protein context (NP_000312.2, residues 457-477): MESMLKSEEE[Arg467Gly]LSIQNFSKLL

ClinVar aggregate classification (germline): Uncertain significance. Review status: criteria provided, multiple submitters, no conflicts (2 of 4 stars). 3 submissions from 3 submitters: Uncertain significance (3). Last evaluated 2024-09-19.

Conditions:
Hereditary cancer-predisposing syndrome. Also called: Tumor predisposition; Neoplastic Syndromes, Hereditary; Hereditary neoplastic syndrome; Hereditary Cancer Syndrome. Identifiers: Orphanet 140162, MedGen C0027672, MeSH D009386, MONDO:0015356.
Retinoblastoma (RB1). Also called: RETINOBLASTOMA, SOMATIC. Identifiers: Orphanet 790, MedGen C0035335, MeSH D012175, MONDO:0008380, OMIM 180200, HP:0009919. Disease mechanism: loss of function. Inheritance: Both sporadic and heritable forms are tested..

Submissions (3):

Ambry Genetics
Classification: Uncertain significance for Hereditary cancer-predisposing syndrome. Last evaluated: 2024-09-19. Review status: criteria provided, single submitter. Criteria: Ambry Variant Classification Scheme 2023. Collection method: clinical testing. Allele origin: germline.
Comment: The p.R467G variant (also known as c.1399C>G), located in coding exon 15 of the RB1 gene, results from a C to G substitution at nucleotide position 1399. The arginine at codon 467 is replaced by glycine, an amino acid with dissimilar properties. This amino acid position is highly conserved in available vertebrate species. In addition, this alteration is predicted to be deleterious by in silico analysis. Based on the available evidence, the clinical significance of this variant remains unclear.

Labcorp Genetics (formerly Invitae), Labcorp
Classification: Uncertain significance for Retinoblastoma. Last evaluated: 2022-07-19. Review status: criteria provided, single submitter. Criteria: Invitae Variant Classification Sherloc (09022015). Collection method: clinical testing. Allele origin: germline.
Comment: In summary, the available evidence is currently insufficient to determine the role of this variant in disease. Therefore, it has been classified as a Variant of Uncertain Significance. This sequence change replaces arginine, which is basic and polar, with glycine, which is neutral and non-polar, at codon 467 of the RB1 protein (p.Arg467Gly). This variant is not present in population databases (gnomAD no frequency). This variant has not been reported in the literature in individuals affected with RB1-related conditions. ClinVar contains an entry for this variant (Variation ID: 584871). Algorithms developed to predict the effect of missense changes on protein structure and function (SIFT, PolyPhen-2, Align-GVGD) all suggest that this variant is likely to be disruptive.

Mendelics
Classification: Uncertain significance for Retinoblastoma. Last evaluated: 2018-07-02. Review status: criteria provided, single submitter. Criteria: Mendelics Assertion Criteria 2017. Collection method: clinical testing. Allele origin: unknown.